The following is an entry in ClinVar:

ClinVar aggregate classification (germline): Likely benign. Review status: criteria provided, single submitter (1 of 4 stars). 2 submissions from 2 submitters: Likely benign (1). 1 of the submissions does not count toward it. Last evaluated 2022-07-12.

Conditions:
Amyotrophic lateral sclerosis type 4 (ALS4). Also called: NEURONOPATHY, DISTAL HEREDITARY MOTOR, WITH PYRAMIDAL FEATURES; AMYOTROPHIC LATERAL SCLEROSIS 4, JUVENILE. Identifiers: Orphanet 357043, MedGen C1865409, MONDO:0011223, OMIM 602433.
Spinocerebellar ataxia, autosomal recessive, with axonal neuropathy 2 (SCAN2). Also called: Ataxia with Oculomotor Apraxia; Ataxia with Oculomotor Apraxia Type 2; Ataxia-ocular apraxia-2; ATAXIA-OCULOMOTOR APRAXIA 2. Identifiers: Orphanet 64753, MedGen C1853761, MONDO:0018996, OMIM 606002.
SETX-related disorder. Also called: SETX-related disorders; SETX-related condition. Identifiers: MedGen CN239403.

Allele frequency attached by ClinVar (database versions not stated): gnomAD exomes 0.00001 and 0.00004; gnomAD 0.00002; TOPMed 0.00003.
gnomAD v4.1: 68 of 1,614,028 alleles (0.0042%); highest among the groups gnomAD compares: Non-Finnish European, 0.0055%; no homozygotes.

Submissions (2):

Labcorp Genetics (formerly Invitae), Labcorp
Classification: Likely benign for Amyotrophic lateral sclerosis type 4; Spinocerebellar ataxia, autosomal recessive, with axonal neuropathy 2. Last evaluated: 2022-07-12. Review status: criteria provided, single submitter. Criteria: Invitae Variant Classification Sherloc (09022015). Collection method: clinical testing. Allele origin: germline.

PreventionGenetics, part of Exact Sciences
Classification: Likely benign for SETX-related condition. Last evaluated: 2023-06-07. Review status: no assertion criteria provided. Collection method: clinical testing. Allele origin: germline. Not counted in ClinVar's aggregate classification.
Comment: This variant is classified as likely benign based on ACMG/AMP sequence variant interpretation guidelines (Richards et al. 2015 PMID: 25741868, with internal and published modifications).

NM_015046.7(SETX):c.5859A>G (p.Pro1953=)

Gene: SETX (senataxin; minus strand). Cytogenetic location: 9q34.13.
Variant type: single nucleotide variant.
Coding change: c.5859A>G on transcript NM_015046.7 (MANE Select); coding-DNA position 5859, A replaced by G.
Protein change: p.Pro1953=; no amino-acid change (proline 1953 retained).
Molecular consequence: synonymous variant.
Genome position (GRCh38, 1-based): chr9:132,296,977, T>C on the plus strand (A>G on the coding strand, the complement: SETX is on the minus strand). VCF-style: chr9-132296977-T-C. GRCh37 (hg19) VCF-style: chr9-135172364-T-C.
Other names: c.5859A>G, p.Pro1953= (NM_001351527.2, NM_001351528.2).
Identifiers: ClinVar variation 857027 (VCV000857027.12), dbSNP rs1423165535, ClinGen allele CA467428517.
Genomic context (GRCh38, chr9:132,296,977, plus strand): 5'-AATAGTTTTTGATTTTCCTGTTCCAGGTGGTCCATGAATCAAGCAGATTTTGGCAACTGA[T>C]GGTGAGTGTTTCACCATAGCATATGCAGTTTCTATTGCTTTCTTTTGATCTTCATTGAAA-3'
Protein context (NP_055861.3, residues 1943-1963): ETAYAMVKHS[Pro1953=]SVAKICLIHG